The following is an entry in ClinVar:

ClinVar aggregate classification (germline): Conflicting classifications of pathogenicity. Review status: criteria provided, conflicting classifications (1 of 4 stars). 4 submissions from 4 submitters: Uncertain significance (3); Likely benign (1). Last evaluated 2025-12-10.

Conditions:
Bethlem myopathy 1A. Also called: MYOPATHY, BENIGN CONGENITAL, WITH CONTRACTURES; Bethlem myopathy 1; Bethlem Muscular Dystrophy. Identifiers: Orphanet 610, MedGen CN029274, MONDO:0024530, OMIM 158810.

Allele frequency attached by ClinVar (database versions not stated): ExAC 0.00004; gnomAD exomes 0.00006 and 0.00013; gnomAD 0.00009; TOPMed 0.00010.
gnomAD v4.1: 201 of 1,613,596 alleles (0.012%); highest among the groups gnomAD compares: Non-Finnish European, 0.016%; no homozygotes.

Submissions (4):

Labcorp Genetics (formerly Invitae), Labcorp
Classification: Likely benign for Bethlem myopathy 1A. Last evaluated: 2025-12-10. Review status: criteria provided, single submitter. Criteria: Invitae Variant Classification Sherloc (09022015). Collection method: clinical testing. Allele origin: germline.

GeneDx
Classification: Uncertain significance. Last evaluated: 2025-05-09. Review status: criteria provided, single submitter. Criteria: GeneDx Variant Classification Process June 2021. Collection method: clinical testing. Allele origin: germline. Affected: yes.
Comment: Reported as a variant of uncertain significance in the heterozygous state in a patient with suspected LGMD; however, no additional information was provided (PMID: 30564623); In silico analysis supports that this missense variant has a deleterious effect on protein structure/function; This variant is associated with the following publications: (PMID: 30564623)

Revvity Omics, Revvity
Classification: Uncertain significance. Last evaluated: 2020-02-24. Review status: criteria provided, single submitter. Criteria: ACMG Guidelines, 2015. Collection method: clinical testing. Allele origin: germline.

Eurofins Ntd Llc (ga)
Classification: Uncertain significance. Last evaluated: 2018-07-18. Review status: criteria provided, single submitter. Criteria: EGL ClinVar v180209 classification definitions. Collection method: clinical testing. Allele origin: germline. Observed: 5 variant alleles, 5 heterozygotes.

NM_004369.4(COL6A3):c.2444C>A (p.Pro815His)

Gene: COL6A3 (collagen type VI alpha 3 chain; minus strand). Cytogenetic location: 2q37.3.
Variant type: single nucleotide variant.
Coding change: c.2444C>A on transcript NM_004369.4 (MANE Select); coding-DNA position 2444, C replaced by A.
Protein change: p.Pro815His; replaces proline 815 with histidine.
Molecular consequence: missense variant. On other transcripts: intron variant (1).
Genome position (GRCh38, 1-based): chr2:237,378,689, G>T on the plus strand (C>A on the coding strand, the complement: COL6A3 is on the minus strand). VCF-style: chr2-237378689-G-T. GRCh37 (hg19) VCF-style: chr2-238287332-G-T.
Other names: c.1223C>A, p.Pro408His (NM_057164.5); c.1826C>A, p.Pro609His (NM_057165.5, NM_057167.4); c.677-1345C>A (NM_057166.5); short protein forms P815H, P408H, P609H.
Identifiers: ClinVar variation 198168 (VCV000198168.26), dbSNP rs199601240, ClinGen allele CA246680.